The following is an entry in ClinVar:

ClinVar aggregate classification (germline): Uncertain significance (1 of 4 stars; one submission).

Conditions:
Primary ciliary dyskinesia. Also called: Ciliary dyskinesia. Identifiers: Orphanet 244, MedGen C0008780, MONDO:0016575, HP:0012265.

Submission:

Ambry Genetics
Classification: Uncertain significance for Primary ciliary dyskinesia. Last evaluated: 2018-01-08. Review status: criteria provided, single submitter. Criteria: Ambry Variant Classification Scheme 2023. Collection method: clinical testing. Allele origin: germline.
Comment: The c.1495_1496delGCinsTT variant (also known as p.A499L), located in coding exon 14 of the CCDC114 gene, results from an in-frame deletion of GC and insertion of TT at nucleotide positions 1495 to 1496. This results in the substitution of the alanine residue for a leucine residue at codon 499, an amino acid with similar properties. This amino acid position is poorly conserved in available vertebrate species. Since supporting evidence is limited at this time, the clinical significance of this alteration remains unclear.

NM_001364171.2(ODAD1):c.1606_1607delinsTT (p.Ala536Leu)

Gene: ODAD1 (outer dynein arm docking complex subunit 1; minus strand). Cytogenetic location: 19q13.33.
Variant type: Indel.
Coding change: c.1606_1607delinsTT on transcript NM_001364171.2 (MANE Select); coding-DNA positions 1606 to 1607, GC replaced by TT.
Protein change: p.Ala536Leu; replaces alanine 536 with leucine.
Molecular consequence: missense variant.
Genome position (GRCh38, 1-based): chr19:48,297,493-48,297,494, GC replaced by AA on the plus strand (GC replaced by TT on the coding strand, the reverse complement: ODAD1 is on the minus strand). VCF-style: chr19-48297493-GC-AA. GRCh37 (hg19) VCF-style: chr19-48800750-GC-AA.
Other names: c.1495_1496delinsTT, p.Ala499Leu (NM_144577.4); short protein forms A499L, A536L.
Identifiers: ClinVar variation 1799616 (VCV001799616.2), dbSNP rs2515925102, ClinGen allele CA2580097474.